The following is an entry in ClinVar:

NM_001365951.3(KIF1B):c.662T>G (p.Phe221Cys)

Gene: KIF1B (kinesin family member 1B; plus strand). Cytogenetic location: 1p36.22.
Variant type: single nucleotide variant.
Coding change: c.662T>G on transcript NM_001365951.3 (MANE Select); coding-DNA position 662, T replaced by G.
Protein change: p.Phe221Cys; replaces phenylalanine 221 with cysteine.
Molecular consequence: missense variant.
Genome position (GRCh38, 1-based): chr1:10,268,205, T>G. VCF-style: chr1-10268205-T-G. GRCh37 (hg19) VCF-style: chr1-10328263-T-G.
Other names: c.662T>G, p.Phe221Cys (NM_001365952.1, NM_001365953.1, NM_015074.3 and 1 more transcripts); short protein forms F221C.
Identifiers: ClinVar variation 934926 (VCV000934926.9), dbSNP rs1648577899, ClinGen allele CA338330385.

ClinVar aggregate classification (germline): Uncertain significance (1 of 4 stars; one submission).

Conditions:
Charcot-Marie-Tooth disease type 2. Also called: Charcot-Marie-Tooth type 2. Identifiers: Orphanet 64746, MedGen C0270914, MONDO:0018993.

Submission:

Labcorp Genetics (formerly Invitae), Labcorp
Classification: Uncertain significance for Charcot-Marie-Tooth disease type 2. Last evaluated: 2019-06-06. Review status: criteria provided, single submitter. Criteria: Invitae Variant Classification Sherloc (09022015). Collection method: clinical testing. Allele origin: germline.
Comment: This sequence change replaces phenylalanine with cysteine at codon 221 of the KIF1B protein (p.Phe221Cys). The phenylalanine residue is highly conserved and there is a large physicochemical difference between phenylalanine and cysteine. In summary, the available evidence is currently insufficient to determine the role of this variant in disease. Therefore, it has been classified as a Variant of Uncertain Significance. Algorithms developed to predict the effect of missense changes on protein structure and function (SIFT, PolyPhen-2, Align-GVGD) all suggest that this variant is likely to be disruptive, but these predictions have not been confirmed by published functional studies and their clinical significance is uncertain. This variant has not been reported in the literature in individuals with KIF1B-related conditions. This variant is not present in population databases (ExAC no frequency).